The following is an entry in ClinVar:

ClinVar aggregate classification (germline): Likely benign (1 of 4 stars; one submission).

Submission:

GeneDx
Classification: Likely benign. Last evaluated: 2016-03-23. Review status: criteria provided, single submitter. Criteria: GeneDx Variant Classification (06012015). Collection method: clinical testing. Allele origin: germline. Affected: yes.
Comment: This variant is considered likely benign or benign based on one or more of the following criteria: it is a conservative change, it occurs at a poorly conserved position in the protein, it is predicted to be benign by multiple in silico algorithms, and/or has population frequency not consistent with disease.

NM_001134407.3(GRIN2A):c.3882C>T (p.Asn1294=)

Gene: GRIN2A (glutamate ionotropic receptor NMDA type subunit 2A; minus strand). Cytogenetic location: 16p13.2.
Variant type: single nucleotide variant.
Coding change: c.3882C>T on transcript NM_001134407.3 (MANE Select); coding-DNA position 3882, C replaced by T.
Protein change: p.Asn1294=; no amino-acid change (asparagine 1294 retained).
Molecular consequence: synonymous variant. On other transcripts: intron variant (1).
Genome position (GRCh38, 1-based): chr16:9,763,662, G>A on the plus strand (C>T on the coding strand, the complement: GRIN2A is on the minus strand). VCF-style: chr16-9763662-G-A. GRCh37 (hg19) VCF-style: chr16-9857519-G-A.
Other names: c.3882C>T, p.Asn1294= (NM_000833.5); c.3772+110C>T (NM_001134408.2).
Identifiers: ClinVar variation 384604 (VCV000384604.1), dbSNP rs1057522011, ClinGen allele CA16607155.